The following is an entry in ClinVar:

ClinVar aggregate classification (germline): Uncertain significance. Review status: criteria provided, multiple submitters, no conflicts (2 of 4 stars). 2 submissions from 2 submitters: Uncertain significance (2). Last evaluated 2022-12-19.

Conditions:
MOGS-related disorder. Also called: MOGS-related condition.
MOGS-congenital disorder of glycosylation. Also called: CDG IIb; GLUCOSIDASE I DEFICIENCY; MOGS-CDG; CDG 2B. Identifiers: Orphanet 79330, MedGen C1853736, MONDO:0011629, OMIM 606056.

Allele frequency attached by ClinVar (database versions not stated): ExAC 0.00001; gnomAD 0.00001; gnomAD exomes 0.00001; TOPMed 0.00002.

Submissions (2):

PreventionGenetics, part of Exact Sciences
Classification: Uncertain significance for MOGS-related condition. Last evaluated: 2022-12-19. Review status: criteria provided, single submitter. Criteria: ACMG Guidelines, 2015. Collection method: clinical testing. Allele origin: germline.
Comment: The MOGS c.2228C>G variant is predicted to result in premature protein termination (p.Ser743*). To our knowledge, this variant has not been reported in the literature. This variant is reported in 0.011% of alleles in individuals of Latino descent in gnomAD. Although nonsense variant are expected to be pathogenic, all reported truncating variants are located upstream of this variant. Although we suspect that this variant may be pathogenic, at this time, the clinical significance of this variant is uncertain due to the absence of conclusive functional and genetic evidence.

Labcorp Genetics (formerly Invitae), Labcorp
Classification: Uncertain significance for MOGS-congenital disorder of glycosylation. Last evaluated: 2022-06-14. Review status: criteria provided, single submitter. Criteria: Invitae Variant Classification Sherloc (09022015). Collection method: clinical testing. Allele origin: germline.
Comment: In summary, the available evidence is currently insufficient to determine the role of this variant in disease. Therefore, it has been classified as a Variant of Uncertain Significance. Experimental studies and prediction algorithms are not available or were not evaluated, and the functional significance of this variant is currently unknown. This variant has not been reported in the literature in individuals affected with MOGS-related conditions. This variant is present in population databases (rs767943560, gnomAD 0.009%). This sequence change creates a premature translational stop signal (p.Ser743*) in the MOGS gene. While this is not anticipated to result in nonsense mediated decay, it is expected to disrupt the last 95 amino acid(s) of the MOGS protein.

NM_006302.3(MOGS):c.2228C>G (p.Ser743Ter)

Gene: MOGS (mannosyl-oligosaccharide glucosidase; minus strand). Cytogenetic location: 2p13.1.
Variant type: single nucleotide variant.
Coding change: c.2228C>G on transcript NM_006302.3 (MANE Select); coding-DNA position 2228, C replaced by G.
Protein change: p.Ser743Ter; replaces serine 743 with a stop codon.
Molecular consequence: nonsense.
Genome position (GRCh38, 1-based): chr2:74,461,561, G>C on the plus strand (C>G on the coding strand, the complement: MOGS is on the minus strand). VCF-style: chr2-74461561-G-C. GRCh37 (hg19) VCF-style: chr2-74688688-G-C.
Other names: c.1910C>G, p.Ser637Ter (NM_001146158.2); c.2228C>G (NM_006302.2); short protein forms S743*, S637*.
Identifiers: ClinVar variation 1970225 (VCV001970225.4), dbSNP rs767943560, ClinGen allele CA1724632.